The following is an entry in ClinVar:

ClinVar aggregate classification (germline): Pathogenic (1 of 4 stars; one submission).

Conditions:
Hereditary cancer-predisposing syndrome. Also called: Tumor predisposition; Neoplastic Syndromes, Hereditary; Hereditary Cancer Syndrome; Hereditary neoplastic syndrome. Identifiers: Orphanet 140162, MedGen C0027672, MeSH D009386, MONDO:0015356.

Submission:

Ambry Genetics
Classification: Pathogenic for Hereditary cancer-predisposing syndrome. Last evaluated: 2024-09-27. Review status: criteria provided, single submitter. Criteria: Ambry Variant Classification Scheme 2023. Collection method: clinical testing. Allele origin: germline.
Comment: The c.731_738+3del11insAAAT pathogenic mutation results from a deletion of 11 nucleotides and insertion of 4 nucleotides at positions c.731 to c.738+3 and involves the canonical splice donor site after coding exon 5 of the FH gene. This alteration has been observed in at least one individual with a personal and/or family history that is consistent with Hereditary leiomyomatosis and renal cell cancer (Ambry internal data). This nucleotide region is well conserved in available vertebrate species. In silico splice site analysis predicts that this alteration will weaken the native splice donor site. RNA studies have demonstrated that this alteration results in abnormal splicing in the set of samples tested (Ambry internal data). This variant is considered to be rare based on population cohorts in the Genome Aggregation Database (gnomAD). Alterations that disrupt the canonical splice site are expected to cause aberrant splicing, resulting in an abnormal protein or a transcript that is subject to nonsense-mediated mRNA decay. Based on the supporting evidence, this variant is interpreted as a disease-causing mutation.

NM_000143.4(FH):c.731_738+3delinsAAAT

Gene: FH (fumarate hydratase; minus strand). Cytogenetic location: 1q43.
Variant type: Indel.
Coding change: c.731_738+3delinsAAAT on transcript NM_000143.4 (MANE Select); coding-DNA position 731 through 3 bases into the intron after coding-DNA position 738, TTGGGCAGGTA replaced by AAAT.
Molecular consequence: splice donor variant.
Genome position (GRCh38, 1-based): chr1:241,508,600-241,508,610, TACCTGCCCAA replaced by ATTT on the plus strand (TTGGGCAGGTA replaced by AAAT on the coding strand, the reverse complement: FH is on the minus strand). VCF-style: chr1-241508600-TACCTGCCCAA-ATTT. GRCh37 (hg19) VCF-style: chr1-241671900-TACCTGCCCAA-ATTT.
Identifiers: ClinVar variation 3515101 (VCV003515101.1).
Genomic context (GRCh38, chr1:241,508,600, plus strand): 5'-GGATGACACATTGGCCATTTGTACCAAGCTCTAAATTGAATCAAATTAGTCAAACTCCTA[TACCTGCCCAA>ATTT]GAGTAAGTGGAACAGCATCCTGAGTATGAGTACGTCCAATCTTGATGATCTGTGCAAACT-3'